The following is an entry in ClinVar:

ClinVar aggregate classification (germline): Uncertain significance (1 of 4 stars; one submission).

Submission:

GeneDx
Classification: Uncertain significance. Last evaluated: 2025-10-06. Review status: criteria provided, single submitter. Criteria: GeneDx Variant Classification Process June 2021. Collection method: clinical testing. Allele origin: germline. Affected: yes.
Comment: In silico analysis suggests this variant may impact gene splicing. In the absence of RNA/functional studies, the actual effect of this sequence change is unknown.; Has not been previously published as pathogenic or benign to our knowledge

NM_000372.5(TYR):c.1184+16395G>T

Gene: TYR (tyrosinase; plus strand). Cytogenetic location: 11q14.3.
Variant type: single nucleotide variant.
Coding change: c.1184+16395G>T on transcript NM_000372.5 (MANE Select); 16395 bases into the intron after coding-DNA position 1184, G replaced by T.
Molecular consequence: intron variant.
Genome position (GRCh38, 1-based): chr11:89,244,365, G>T. VCF-style: chr11-89244365-G-T. GRCh37 (hg19) VCF-style: chr11-88977533-G-T.
Identifiers: ClinVar variation 4819523 (VCV004819523.1).
Genomic context (GRCh38, chr11:89,244,365, plus strand): 5'-CTACTAGGCAGTTGAGCTCCAGGTCCTGCATTTTTCCTGACATACTCTGTATTTCTCTCT[G>T]TCCAGCTCCAGCTTCTGAAATGCCCTCTCAGCTTAGCACGGCCTGCTTATGGCGAGAACC-3'